The following is an entry in ClinVar:

ClinVar aggregate classification (germline): Likely benign (0 of 4 stars; one submission).

Conditions:
JAG1-related disorder. Also called: JAG1-related disorders; JAG1-related condition.

Submission:

PreventionGenetics, part of Exact Sciences
Classification: Likely benign for JAG1-related condition. Last evaluated: 2024-09-25. Review status: no assertion criteria provided. Collection method: clinical testing. Allele origin: germline.
Comment: This variant is classified as likely benign based on ACMG/AMP sequence variant interpretation guidelines (Richards et al. 2015 PMID: 25741868, with internal and published modifications).

NM_000214.3(JAG1):c.2228-4A>C

Gene: JAG1 (jagged canonical Notch ligand 1; minus strand). Cytogenetic location: 20p12.2.
Variant type: single nucleotide variant.
Coding change: c.2228-4A>C on transcript NM_000214.3 (MANE Select); 4 bases into the intron before coding-DNA position 2228, A replaced by C.
Molecular consequence: intron variant.
Genome position (GRCh38, 1-based): chr20:10,644,983, T>G on the plus strand (A>C on the coding strand, the complement: JAG1 is on the minus strand). VCF-style: chr20-10644983-T-G. GRCh37 (hg19) VCF-style: chr20-10625631-T-G.
Identifiers: ClinVar variation 3344920 (VCV003344920.1).